The following is an entry in ClinVar:

NM_001130987.2(DYSF):c.5468A>G (p.Gln1823Arg)

Gene: DYSF (dysferlin; plus strand). Cytogenetic location: 2p13.2.
Variant type: single nucleotide variant.
Coding change: c.5468A>G on transcript NM_001130987.2 (MANE Select); coding-DNA position 5468, A replaced by G.
Protein change: p.Gln1823Arg; replaces glutamine 1823 with arginine.
Molecular consequence: missense variant.
Genome position (GRCh38, 1-based): chr2:71,668,764, A>G. VCF-style: chr2-71668764-A-G. GRCh37 (hg19) VCF-style: chr2-71895894-A-G.
Other names: c.5354A>G, p.Gln1785Arg (NM_001130455.2); c.5309A>G, p.Gln1770Arg (NM_001130976.2); c.5372A>G, p.Gln1791Arg (NM_001130977.2); c.5414A>G, p.Gln1805Arg (NM_001130978.2); c.5351A>G (NM_003494.3); c.5444A>G, p.Gln1815Arg (NM_001130979.2); c.5402A>G, p.Gln1801Arg (NM_001130980.2); c.5465A>G, p.Gln1822Arg (NM_001130981.2); and 6 more; short protein forms Q1792R, Q1802R, Q1805R, Q1771R, Q1785R, Q1791R, Q1806R, Q1822R.
Identifiers: ClinVar variation 2096630 (VCV002096630.5), dbSNP rs904042884, ClinGen allele CA49768771.
Genomic context (GRCh38, chr2:71,668,764, plus strand): 5'-CAGCTGGTTAAATGAGAAGGGTGGGGAGAGAACGGACCCTGTCTCCGCAGGGGAAGCTGC[A>G]GATGTGGGTCGACCTATTTCCGAAGGCCCTGGGGCGGCCTGGACCTCCCTTCAACATCAC-3'
Protein context (NP_001124459.1, residues 1813-1833): LQPDIEQGKL[Gln1823Arg]MWVDLFPKAL

ClinVar aggregate classification (germline): Uncertain significance. Review status: criteria provided, multiple submitters, no conflicts (2 of 4 stars). 2 submissions from 2 submitters: Uncertain significance (2). Last evaluated 2024-11-10.

Conditions:
Inborn genetic diseases. Identifiers: MedGen C0950123, MeSH D030342.
Neuromuscular disease caused by qualitative or quantitative defects of dysferlin. Also called: Dysferlinopathy; Qualitative or quantitative defects of dysferlin. Identifiers: Orphanet 207073, MedGen C2931687, MONDO:0016145.

Allele frequency attached by ClinVar (database versions not stated): gnomAD exomes below 0.00001; gnomAD 0.00001; TOPMed 0.00001.
gnomAD v4.1: 3 of 1,613,662 alleles (0.00019%); highest among the groups gnomAD compares: Non-Finnish European, 0.00025%; no homozygotes.

Submissions (2):

Ambry Genetics
Classification: Uncertain significance for Inborn genetic diseases. Last evaluated: 2024-11-10. Review status: criteria provided, single submitter. Criteria: Ambry Variant Classification Scheme 2023. Collection method: clinical testing. Allele origin: germline.

Labcorp Genetics (formerly Invitae), Labcorp
Classification: Uncertain significance for Neuromuscular disease caused by qualitative or quantitative defects of dysferlin. Last evaluated: 2024-01-29. Review status: criteria provided, single submitter. Criteria: Invitae Variant Classification Sherloc (09022015). Collection method: clinical testing. Allele origin: germline.
Comment: This sequence change replaces glutamine, which is neutral and polar, with arginine, which is basic and polar, at codon 1784 of the DYSF protein (p.Gln1784Arg). This variant is present in population databases (no rsID available, gnomAD 0.0009%). This variant has not been reported in the literature in individuals affected with DYSF-related conditions. ClinVar contains an entry for this variant (Variation ID: 2096630). Advanced modeling of protein sequence and biophysical properties (such as structural, functional, and spatial information, amino acid conservation, physicochemical variation, residue mobility, and thermodynamic stability) performed at Invitae indicates that this missense variant is not expected to disrupt DYSF protein function with a negative predictive value of 95%. In summary, the available evidence is currently insufficient to determine the role of this variant in disease. Therefore, it has been classified as a Variant of Uncertain Significance.